The following is an entry in ClinVar:

ClinVar aggregate classification (germline): Likely pathogenic (1 of 4 stars; one submission).

Conditions:
Spondyloepiphyseal dysplasia with congenital joint dislocations (SEDCJD). Also called: Chondrodysplasia with Congenital Joint Dislocations, CHST3-Related. Identifiers: Orphanet 263463, MedGen C1837657, MONDO:0007738, OMIM 143095.

Submission:

Laboratory for Molecular Medicine, Mass General Brigham Personalized Medicine
Classification: Likely pathogenic for Spondyloepiphyseal dysplasia with congenital joint dislocations. Last evaluated: 2023-12-18. Review status: criteria provided, single submitter. Criteria: ACMG Guidelines, 2015. Collection method: clinical testing. Allele origin: germline. Inheritance: Autosomal recessive inheritance.
Comment: The p.Asp66ThrfsX4 variant in CHST3 has not been previously reported in individuals with skeletal dysplasia nor in large population studies (gnomAD, v.3.1.2). This variant is predicted to cause a frameshift, which alters the protein’s amino acid sequence beginning at position 66 and leads to a premature termination codon 4 amino acids downstream. This alteration, however, occurs within the last exon and removes the majority of the protein. Loss of function variants in CHST3 downstream of the p.Asp66ThrfsX4 variant have been reported in individuals with skeletal dysplasias (HGMD database; Stenson 2020 PMID: 32596782). In summary, although additional studies are required to fully establish its clinical significance, this variant meets criteria to be classified as likely pathogenic for autosomal recessive CHST3-associated skeletal dysplasia. ACMG/AMP Criteria applied: PVS1, PM2_Supporting.

Literature cited by the submitters: PubMed 32596782.

NM_004273.5(CHST3):c.195del (p.Asp66fs)

Gene: CHST3 (carbohydrate sulfotransferase 3; plus strand). Cytogenetic location: 10q22.1.
Variant type: Deletion.
Coding change: c.195del on transcript NM_004273.5 (MANE Select); coding-DNA position 195, one base deleted (C; older notation c.195delC).
Protein change: p.Asp66fs; shifts the reading frame from aspartic acid 66.
Molecular consequence: frameshift variant.
Genome position (GRCh38, 1-based): chr10:72,007,226, C deleted; the last of 2 consecutive C bases (chr10:72,007,225-72,007,226); deleting either gives the same sequence. VCF-style (leftmost placement, unchanged base first): chr10-72007224-AC-A. GRCh37 (hg19) VCF-style: chr10-73766982-AC-A.
Other names: short protein forms D66fs.
Identifiers: ClinVar variation 3075971 (VCV003075971.1), dbSNP rs2494767083, ClinGen allele CA2825001703.